The following is an entry in ClinVar:

NM_000215.4(JAK3):c.1471G>C (p.Gly491Arg)

Gene: JAK3 (Janus kinase 3; minus strand). Cytogenetic location: 19p13.11.
Variant type: single nucleotide variant.
Coding change: c.1471G>C on transcript NM_000215.4 (MANE Select); coding-DNA position 1471, G replaced by C.
Protein change: p.Gly491Arg; replaces glycine 491 with arginine.
Molecular consequence: missense variant.
Genome position (GRCh38, 1-based): chr19:17,838,361, C>G on the plus strand (G>C on the coding strand, the complement: JAK3 is on the minus strand). VCF-style: chr19-17838361-C-G. GRCh37 (hg19) VCF-style: chr19-17949170-C-G.
Other names: short protein forms G491R.
Identifiers: ClinVar variation 532745 (VCV000532745.10), dbSNP rs200112185, ClinGen allele CA9301873.

ClinVar aggregate classification (germline): Uncertain significance (1 of 4 stars; one submission).

Conditions:
T-B+ severe combined immunodeficiency due to JAK3 deficiency. Also called: SCID, T CELL-NEGATIVE, B CELL-POSITIVE, NK CELL-NEGATIVE; SCID, autosomal recessive, T-negative/B-positive type. Identifiers: Orphanet 35078, MedGen C1833275, MONDO:0010938, OMIM 600802.

Allele frequency attached by ClinVar (database versions not stated): gnomAD exomes 0.00001 and 0.00003; ExAC 0.00003; ESP Exome Variant Server 0.00008; gnomAD 0.00015 and 0.00016; TOPMed 0.00016.
gnomAD v4.1: 43 of 1,613,908 alleles (0.0027%); highest among the groups gnomAD compares: African/African-American, 0.051%; no homozygotes.

Submission:

Labcorp Genetics (formerly Invitae), Labcorp
Classification: Uncertain significance for T-B+ severe combined immunodeficiency due to JAK3 deficiency. Last evaluated: 2025-11-18. Review status: criteria provided, single submitter. Criteria: Invitae Variant Classification Sherloc (09022015). Collection method: clinical testing. Allele origin: germline.
Comment: This sequence change replaces glycine, which is neutral and non-polar, with arginine, which is basic and polar, at codon 491 of the JAK3 protein (p.Gly491Arg). This variant is present in population databases (rs200112185, gnomAD 0.05%). This variant has not been reported in the literature in individuals affected with JAK3-related conditions. ClinVar contains an entry for this variant (Variation ID: 532745). Invitae Evidence Modeling of protein sequence and biophysical properties (such as structural, functional, and spatial information, amino acid conservation, physicochemical variation, residue mobility, and thermodynamic stability) has been performed for this missense variant. However, the output from this modeling did not meet the statistical confidence thresholds required to predict the impact of this variant on JAK3 protein function. In summary, the available evidence is currently insufficient to determine the role of this variant in disease. Therefore, it has been classified as a Variant of Uncertain Significance.